The following is an entry in ClinVar:

ClinVar aggregate classification (germline): Uncertain significance. Review status: criteria provided, multiple submitters, no conflicts (2 of 4 stars). 2 submissions from 2 submitters: Uncertain significance (2). Last evaluated 2023-10-21.

Conditions:
Hereditary cancer-predisposing syndrome. Also called: Neoplastic Syndromes, Hereditary; Tumor predisposition; Hereditary Cancer Syndrome; Hereditary neoplastic syndrome. Identifiers: Orphanet 140162, MedGen C0027672, MeSH D009386, MONDO:0015356.

Allele frequency attached by ClinVar (database versions not stated): gnomAD exomes below 0.00001; TOPMed below 0.00001.
gnomAD v4.1: 1 of 1,614,108 alleles (0.000062%); highest among the groups gnomAD compares: African/African-American, 0.0013%; no homozygotes.

Submissions (2):

Ambry Genetics
Classification: Uncertain significance for Hereditary cancer-predisposing syndrome. Last evaluated: 2023-10-21. Review status: criteria provided, single submitter. Criteria: Ambry Variant Classification Scheme 2023. Collection method: clinical testing. Allele origin: germline.
Comment: The p.Y1162F variant (also known as c.3485A>T), located in coding exon 23 of the RAD50 gene, results from an A to T substitution at nucleotide position 3485. The tyrosine at codon 1162 is replaced by phenylalanine, an amino acid with highly similar properties. This amino acid position is highly conserved in available vertebrate species. In addition, the in silico prediction for this alteration is inconclusive. Since supporting evidence is limited at this time, the clinical significance of this alteration remains unclear.

Labcorp Genetics (formerly Invitae), Labcorp
Classification: Uncertain significance for Hereditary cancer-predisposing syndrome. Last evaluated: 2023-03-19. Review status: criteria provided, single submitter. Criteria: Invitae Variant Classification Sherloc (09022015). Collection method: clinical testing. Allele origin: germline.
Comment: This sequence change replaces tyrosine, which is neutral and polar, with phenylalanine, which is neutral and non-polar, at codon 1162 of the RAD50 protein (p.Tyr1162Phe). In summary, the available evidence is currently insufficient to determine the role of this variant in disease. Therefore, it has been classified as a Variant of Uncertain Significance. Advanced modeling of protein sequence and biophysical properties (such as structural, functional, and spatial information, amino acid conservation, physicochemical variation, residue mobility, and thermodynamic stability) performed at Invitae indicates that this missense variant is not expected to disrupt RAD50 protein function. ClinVar contains an entry for this variant (Variation ID: 484640). This variant has not been reported in the literature in individuals affected with RAD50-related conditions. This variant is not present in population databases (gnomAD no frequency).

NM_005732.4(RAD50):c.3485A>T (p.Tyr1162Phe)

Genes: TH2-LCR (Th2 cytokine locus control region; plus strand), TH2LCRR (T helper type 2 locus control region associated RNA; minus strand), RAD50 (RAD50 double strand break repair protein; plus strand). Cytogenetic location: 5q31.1.
Variant type: single nucleotide variant.
Coding change: c.3485A>T on transcript NM_005732.4 (MANE Select); coding-DNA position 3485, A replaced by T.
Protein change: p.Tyr1162Phe; replaces tyrosine 1162 with phenylalanine.
Molecular consequence: missense variant. On other transcripts: non-coding transcript variant (2).
Genome position (GRCh38, 1-based): chr5:132,638,090, A>T. VCF-style: chr5-132638090-A-T. GRCh37 (hg19) VCF-style: chr5-131973782-A-T.
Other names: short protein forms Y1162F.
Identifiers: ClinVar variation 484640 (VCV000484640.16), dbSNP rs1554100943, ClinGen allele CA360931073.